The following is an entry in ClinVar:

ClinVar aggregate classification (germline): Uncertain significance. Review status: criteria provided, multiple submitters, no conflicts (2 of 4 stars). 2 submissions from 2 submitters: Uncertain significance (2). Last evaluated 2023-01-25.

Conditions:
Cardiovascular phenotype. Identifiers: MedGen CN230736.

Submissions (2):

Ambry Genetics
Classification: Uncertain significance for Cardiovascular phenotype. Last evaluated: 2023-01-25. Review status: criteria provided, single submitter. Criteria: Ambry Variant Classification Scheme 2023. Collection method: clinical testing. Allele origin: germline.
Comment: The c.348delC variant, located in coding exon 2 of the RBM20 gene, results from a deletion of one nucleotide at nucleotide position 348, causing a translational frameshift with a predicted alternate stop codon (p.A117Pfs*4). This alteration is expected to result in protein truncation or nonsense-mediated mRNA decay. However, loss of function of RBM20 has not been established as a mechanism of disease. Since supporting evidence is limited at this time, the clinical significance of this alteration remains unclear.

GeneDx
Classification: Uncertain significance. Last evaluated: 2022-09-07. Review status: criteria provided, single submitter. Criteria: GeneDx Variant Classification Process June 2021. Collection method: clinical testing. Allele origin: germline. Affected: yes.
Comment: Not observed at significant frequency in large population cohorts (gnomAD); Frameshift variant predicted to result in protein truncation or nonsense mediated decay in a gene or region of a gene for which loss of function is not a well-established mechanism of disease; Has not been previously published as pathogenic or benign to our knowledge

NM_001134363.3(RBM20):c.348del (p.Ala117fs)

Gene: RBM20 (RNA binding motif protein 20; plus strand). Cytogenetic location: 10q25.2.
Variant type: Deletion.
Coding change: c.348del on transcript NM_001134363.3 (MANE Select); coding-DNA position 348, one base deleted (C; older notation c.348delC).
Protein change: p.Ala117fs; shifts the reading frame from alanine 117.
Molecular consequence: frameshift variant.
Genome position (GRCh38, 1-based): chr10:110,780,957, C deleted; the last of 2 consecutive C bases (chr10:110,780,956-110,780,957); deleting either gives the same sequence. VCF-style (leftmost placement, unchanged base first): chr10-110780955-GC-G. GRCh37 (hg19) VCF-style: chr10-112540713-GC-G.
Other names: short protein forms A117fs.
Identifiers: ClinVar variation 2443619 (VCV002443619.3), dbSNP rs1233780273, ClinGen allele CA596112229.